The following is an entry in ClinVar:

ClinVar aggregate classification (germline): Uncertain significance (1 of 4 stars; one submission).

Conditions:
Pitt-Hopkins-like syndrome 2 (PTHSL2). Identifiers: Orphanet 221150, Orphanet 600663, MedGen C3280479, MONDO:0013690, OMIM 614325.

Submission:

Labcorp Genetics (formerly Invitae), Labcorp
Classification: Uncertain significance for Pitt-Hopkins-like syndrome 2. Last evaluated: 2022-09-21. Review status: criteria provided, single submitter. Criteria: Invitae Variant Classification Sherloc (09022015). Collection method: clinical testing. Allele origin: germline.
Comment: In summary, the available evidence is currently insufficient to determine the role of this variant in disease. Therefore, it has been classified as a Variant of Uncertain Significance. Algorithms developed to predict the effect of missense changes on protein structure and function are either unavailable or do not agree on the potential impact of this missense change (SIFT: "Deleterious"; PolyPhen-2: "Benign"; Align-GVGD: "Class C0"). This sequence change replaces serine, which is neutral and polar, with threonine, which is neutral and polar, at codon 764 of the NRXN1 protein (p.Ser764Thr). This variant is not present in population databases (gnomAD no frequency). This variant has not been reported in the literature in individuals affected with NRXN1-related conditions.

NM_001330078.2(NRXN1):c.2171G>C (p.Ser724Thr)

Gene: NRXN1 (neurexin 1; minus strand). Cytogenetic location: 2p16.3.
Variant type: single nucleotide variant.
Coding change: c.2171G>C on transcript NM_001330078.2 (MANE Select); coding-DNA position 2171, G replaced by C.
Protein change: p.Ser724Thr; replaces serine 724 with threonine.
Molecular consequence: missense variant.
Genome position (GRCh38, 1-based): chr2:50,531,403, C>G on the plus strand (G>C on the coding strand, the complement: NRXN1 is on the minus strand). VCF-style: chr2-50531403-C-G. GRCh37 (hg19) VCF-style: chr2-50758541-C-G.
Other names: c.2291G>C, p.Ser764Thr (NM_001135659.3); c.2147G>C, p.Ser716Thr (NM_001330077.2, NM_001330082.2, NM_001330095.2); c.2132G>C, p.Ser711Thr (NM_001330083.2, NM_001330084.2); c.2171G>C, p.Ser724Thr (NM_001330085.2, NM_001330086.2, NM_004801.6); c.2087G>C, p.Ser696Thr (NM_001330087.2, NM_001330096.2); c.2117G>C, p.Ser706Thr (NM_001330088.2); c.2168G>C, p.Ser723Thr (NM_001330093.2); c.2159G>C, p.Ser720Thr (NM_001330094.2); short protein forms S764T, S696T, S716T, S706T, S711T, S724T, S720T, S723T.
Identifiers: ClinVar variation 583246 (VCV000583246.8), dbSNP rs1558890325, ClinGen allele CA346769765.
Genomic context (GRCh38, chr2:50,531,403, plus strand): 5'-AAGGAAACATCCTCAGCCTCCGTATGCATGACTACGGGGAGCTGAATTTTCATAAACATG[C>G]TCCCATCATAGCTCAAAACCGTTGCCTCTAGAGATGGAAAATGAATATGATAAGTTCTTG-3'
Protein context (NP_001317007.1, residues 714-734): REATVLSYDG[Ser724Thr]MFMKIQLPVV